The following is an entry in ClinVar:

ClinVar aggregate classification (germline): Likely benign (1 of 4 stars; one submission).

Allele frequency attached by ClinVar (database versions not stated): gnomAD exomes below 0.00001; gnomAD 0.00001; TOPMed 0.00003; ESP Exome Variant Server 0.00008.
gnomAD v4.1: 9 of 1,614,088 alleles (0.00056%); highest among the groups gnomAD compares: African/African-American, 0.0027%; no homozygotes.

Submission:

CeGaT Center for Human Genetics Tuebingen
Classification: Likely benign. Last evaluated: 2022-12-01. Review status: criteria provided, single submitter. Criteria: CeGaT Center For Human Genetics Tuebingen Variant Classification Criteria Version 2. Collection method: clinical testing. Allele origin: germline. Affected: yes. Observed: 1 variant allele.
Comment: DLG5: BP4, BP7

NM_004747.4(DLG5):c.2526G>A (p.Thr842=)

Gene: DLG5 (discs large MAGUK scaffold protein 5; minus strand). Cytogenetic location: 10q22.3.
Variant type: single nucleotide variant.
Coding change: c.2526G>A on transcript NM_004747.4 (MANE Select); coding-DNA position 2526, G replaced by A.
Protein change: p.Thr842=; no amino-acid change (threonine 842 retained).
Molecular consequence: synonymous variant.
Genome position (GRCh38, 1-based): chr10:77,821,958, C>T on the plus strand (G>A on the coding strand, the complement: DLG5 is on the minus strand). VCF-style: chr10-77821958-C-T. GRCh37 (hg19) VCF-style: chr10-79581716-C-T.
Identifiers: ClinVar variation 2640621 (VCV002640621.24), dbSNP rs369342576, ClinGen allele CA209794185.
Genomic context (GRCh38, chr10:77,821,958, plus strand): 5'-TCCTGGGGGGCCTGGCTCCTTCCTGTCTTCCAGCCTGTCCGTGTAGAAGATGTCTGTCTG[C>T]GTGGAGTTATTGTGCTGTATCAAGTTCCGTTTGTTATGAGCCTGGACCTCCGGGCCATGG-3'
Protein context (NP_004738.3, residues 832-852): KRNLIQHNNS[Thr842=]QTDIFYTDRL